The following is an entry in ClinVar:

NM_000179.3(MSH6):c.3900_3945dup (p.Gly1316Ter)

Gene: MSH6 (mutS homolog 6; plus strand). Cytogenetic location: 2p16.3.
Variant type: Duplication.
Coding change: c.3900_3945dup on transcript NM_000179.3 (MANE Select); coding-DNA positions 3900 to 3945, 46 bases duplicated.
Protein change: p.Gly1316Ter; replaces glycine 1316 with a stop codon.
Molecular consequence: nonsense.
Genome position (GRCh38, 1-based): chr2:47,806,550-47,806,595, 46 bases duplicated. GRCh37 (hg19): chr2:48,033,689-48,033,734.
Other names: c.3510_3555dup, p.Gly1186Ter (NM_001281492.2); c.2994_3039dup, p.Gly1014Ter (NM_001281493.2, NM_001281494.2); c.3900_3945dupTAATGCAGCAAGGCTTGCTAATCTCCCAGAGGAAGTTATTCAAAAG (NM_000179.2); short protein forms G1014*, G1186*, G1316*.
Identifiers: ClinVar variation 619877 (VCV000619877.5), dbSNP rs1558393814, ClinGen allele CA913189359.

ClinVar aggregate classification (germline): Pathogenic/Likely pathogenic. Review status: criteria provided, multiple submitters, no conflicts (2 of 4 stars). 3 submissions from 3 submitters: Pathogenic (2); Likely pathogenic (1). Last evaluated 2023-08-28.

Conditions:
Hereditary cancer-predisposing syndrome. Also called: Tumor predisposition; Hereditary Cancer Syndrome; Neoplastic Syndromes, Hereditary; Hereditary neoplastic syndrome. Identifiers: Orphanet 140162, MedGen C0027672, MeSH D009386, MONDO:0015356.
Lynch syndrome 5 (LYNCH5). Also called: Hereditary non-polyposis colorectal cancer, type 5; Colorectal cancer, hereditary nonpolyposis, type 5. Identifiers: Orphanet 144, MedGen C1833477, MONDO:0013710, OMIM 614350. Disease mechanism: loss of function.

Submissions (3):

Myriad Genetics, Inc.
Classification: Pathogenic for Lynch syndrome 5. Last evaluated: 2023-08-28. Review status: criteria provided, single submitter. Criteria: Myriad Autosomal Dominant, Autosomal Recessive and X-Linked Classification Criteria (2023). Collection method: clinical testing. Allele origin: unknown.
Comment: This variant is considered pathogenic. This variant creates a termination codon and is predicted to result in premature protein truncation.

Quest Diagnostics Nichols Institute San Juan Capistrano
Classification: Likely pathogenic. Last evaluated: 2018-02-21. Review status: criteria provided, single submitter. Criteria: Quest Diagnostics criteria. Collection method: clinical testing. Allele origin: germline.

Ambry Genetics
Classification: Pathogenic for Hereditary cancer-predisposing syndrome. Last evaluated: 2018-01-23. Review status: criteria provided, single submitter. Criteria: Ambry Variant Classification Scheme 2023. Collection method: clinical testing. Allele origin: germline.
Comment: The c.3900_3945dup46 variant, located in coding exon 9 of the MSH6 gene, results from a duplication of TAATGCAGCAAGGCTTGCTAATCTCCCAGAGGAAGTTATTCAAAAG at nucleotide position 3900, causing a translational frameshift with a predicted alternate stop codon (p.G1316*). This alteration is expected to result in loss of function by premature protein truncation. As such, this alteration is interpreted as a disease-causing mutation.